The following is an entry in ClinVar:

ClinVar aggregate classification (germline): Likely benign (1 of 4 stars; one submission).

Allele frequency attached by ClinVar (database versions not stated): gnomAD exomes 0.00007; ExAC 0.00002; TOPMed 0.00006; gnomAD 0.00007.
gnomAD v4.1: 113 of 1,614,000 alleles (0.007%); highest among the groups gnomAD compares: Non-Finnish European, 0.0091%; no homozygotes.

Submission:

CeGaT Center for Human Genetics Tuebingen
Classification: Likely benign. Last evaluated: 2022-05-01. Review status: criteria provided, single submitter. Criteria: CeGaT Center For Human Genetics Tuebingen Variant Classification Criteria Version 2. Collection method: clinical testing. Allele origin: germline. Affected: yes. Observed: 1 variant allele.
Comment: UNC13B: BP4, BP7

NM_001371189.2(UNC13B):c.10251T>C (p.Asp3417=)

Gene: UNC13B (unc-13 homolog B; plus strand). Cytogenetic location: 9p13.3.
Variant type: single nucleotide variant.
Coding change: c.10251T>C on transcript NM_001371189.2 (MANE Select); coding-DNA position 10251, T replaced by C.
Protein change: p.Asp3417=; no amino-acid change (aspartic acid 3417 retained).
Molecular consequence: synonymous variant. On other transcripts: non-coding transcript variant (1).
Genome position (GRCh38, 1-based): chr9:35,380,515, T>C. VCF-style: chr9-35380515-T-C. GRCh37 (hg19) VCF-style: chr9-35380512-T-C.
Other names: c.2004T>C, p.Asp668= (NM_001330653.3, NM_001371186.2, NM_006377.6); c.3144T>C, p.Asp1048= (NM_001371187.2, NM_001387555.1); c.894T>C, p.Asp298= (NM_001371188.2); c.2040T>C, p.Asp680= (NM_001387551.1); c.1857T>C, p.Asp619= (NM_001387553.1, NM_001387554.1).
Identifiers: ClinVar variation 2659174 (VCV002659174.24), dbSNP rs774894130, ClinGen allele CA5042513.